The following is an entry in ClinVar:

ClinVar aggregate classification (germline): Conflicting classifications of pathogenicity. Review status: criteria provided, conflicting classifications (1 of 4 stars). 3 submissions from 3 submitters: Uncertain significance (2); Benign (1). Last evaluated 2026-01-20.

Conditions:
LAMA2-related muscular dystrophy (LAMA2-RD). Also called: Laminin alpha 2-related dystrophy. Identifiers: MedGen C5679788, MONDO:0100228.

Allele frequency attached by ClinVar (database versions not stated): gnomAD exomes 0.00006 and 0.00003; ExAC 0.00007; ESP Exome Variant Server 0.00008; gnomAD 0.00010 and 0.00011; TOPMed 0.00014; 1000 Genomes Project 0.00080; 1000 Genomes Project 30x 0.00094.
gnomAD v4.1: 67 of 1,613,786 alleles (0.0042%); highest among the groups gnomAD compares: African/African-American, 0.036%; 1 homozygote.

Submissions (3):

Women's Health and Genetics/Laboratory Corporation of America, LabCorp
Classification: Uncertain significance. Last evaluated: 2026-01-20. Review status: criteria provided, single submitter. Criteria: LabCorp Variant Classification Summary - May 2015. Collection method: clinical testing. Allele origin: germline.
Comment: Variant summary: LAMA2 c.2767G>A (p.Gly923Ser) results in a non-conservative amino acid change in the encoded protein sequence. Algorithms developed to predict the effect of missense changes on protein structure and function are either unavailable or do not agree on the potential impact of this missense change. The variant allele was found at a frequency of 6e-05 in 251418 control chromosomes. This frequency is not significantly higher than estimated for disease-causing variants in LAMA2, allowing no conclusion about variant significance. To our knowledge, no occurrence of c.2767G>A in individuals affected with LAMA2-related conditions and no experimental evidence demonstrating its impact on protein function have been reported. ClinVar contains an entry for this variant (Variation ID: 450118). Based on the evidence outlined above, the variant was classified as uncertain significance.

Labcorp Genetics (formerly Invitae), Labcorp
Classification: Benign for LAMA2-related muscular dystrophy. Last evaluated: 2026-01-13. Review status: criteria provided, single submitter. Criteria: Invitae Variant Classification Sherloc (09022015). Collection method: clinical testing. Allele origin: germline.

GeneDx
Classification: Uncertain significance. Last evaluated: 2021-12-06. Review status: criteria provided, single submitter. Criteria: GeneDx Variant Classification Process June 2021. Collection method: clinical testing. Allele origin: germline. Affected: yes.
Comment: In silico analysis supports that this missense variant does not alter protein structure/function; Previously reported in an individual with dilated cardiomyopathy, however detailed clinical information was not provided (Mazzarotto et al., 2020); This variant is associated with the following publications: (PMID: 31983221, 30055037)

NM_000426.4(LAMA2):c.2767G>A (p.Gly923Ser)

Gene: LAMA2 (laminin subunit alpha 2; plus strand). Cytogenetic location: 6q22.33.
Variant type: single nucleotide variant.
Coding change: c.2767G>A on transcript NM_000426.4 (MANE Select); coding-DNA position 2767, G replaced by A.
Protein change: p.Gly923Ser; replaces glycine 923 with serine.
Molecular consequence: missense variant.
Genome position (GRCh38, 1-based): chr6:129,291,631, G>A. VCF-style: chr6-129291631-G-A. GRCh37 (hg19) VCF-style: chr6-129612776-G-A.
Other names: c.2767G>A, p.Gly923Ser (NM_001079823.2); short protein forms G923S.
Identifiers: ClinVar variation 450118 (VCV000450118.10), dbSNP rs144492513, ClinGen allele CA3993064.
Genomic context (GRCh38, chr6:129,291,631, plus strand): 5'-ATTAGAAAGTTTTCCTGATCACAGGTCTCTCTTCTCTTTGCAGCCTGTCGCTGTAATGCC[G>A]GTGGCTCTTTCTCTGAGGTTTGCCACAGTCAAACTGGACAGTGTGAGTGCAGAGCCAACG-3'
Protein context (NP_000417.3, residues 913-933): KNCQPCRCNA[Gly923Ser]GSFSEVCHSQ